The following is an entry in ClinVar:

ClinVar aggregate classification (germline): Pathogenic (1 of 4 stars; one submission).

Submission:

Labcorp Genetics (formerly Invitae), Labcorp
Classification: Pathogenic. Last evaluated: 2023-02-04. Review status: criteria provided, single submitter. Criteria: Invitae Variant Classification Sherloc (09022015). Collection method: clinical testing. Allele origin: germline.
Comment: For these reasons, this variant has been classified as Pathogenic. This variant has not been reported in the literature in individuals affected with ABCA4-related conditions. This variant is present in population databases (no rsID available, gnomAD 0.003%). This sequence change creates a premature translational stop signal (p.Glu1574Lysfs*7) in the ABCA4 gene. It is expected to result in an absent or disrupted protein product. Loss-of-function variants in ABCA4 are known to be pathogenic (PMID: 10958761, 24938718, 25312043, 26780318).

Literature cited by the submitters: PubMed 10958761; PubMed 24938718; PubMed 25312043; PubMed 26780318.

NM_000350.3(ABCA4):c.4720del (p.Glu1574fs)

Genes: ABCA4 (ATP binding cassette subfamily A member 4; minus strand), LOC126805793 (CDK7 strongly-dependent group 2 enhancer GRCh37_chr1:94486302-94487501; plus strand). Cytogenetic location: 1p22.1.
Variant type: Deletion.
Coding change: c.4720del on transcript NM_000350.3 (MANE Select); coding-DNA position 4720, one base deleted (G; older notation c.4720delG).
Protein change: p.Glu1574fs; shifts the reading frame from glutamic acid 1574.
Molecular consequence: frameshift variant.
Genome position (GRCh38, 1-based): chr1:94,021,899, C deleted on the plus strand (G on the coding strand, the reverse complement: ABCA4 is on the minus strand); the first of 5 consecutive C bases (chr1:94,021,899-94,021,903); deleting any one gives the same sequence. VCF-style (leftmost placement, unchanged base first): chr1-94021898-TC-T. GRCh37 (hg19) VCF-style: chr1-94487454-TC-T.
Other names: c.4494delG, p.Glu1500Lysfs (NM_001425324.1); short protein forms E1574fs.
Identifiers: ClinVar variation 2834522 (VCV002834522.3), dbSNP rs1557768952, ClinGen allele CA524697456.